The following is an entry in ClinVar:

ClinVar aggregate classification (germline): Pathogenic/Likely pathogenic. Review status: criteria provided, multiple submitters, no conflicts (2 of 4 stars). 2 submissions from 2 submitters: Pathogenic (1); Likely pathogenic (1). Last evaluated 2025-12-24.

Conditions:
Inborn genetic diseases. Identifiers: MedGen C0950123, MeSH D030342.

Submissions (2):

Ambry Genetics
Classification: Pathogenic for Inborn genetic diseases. Last evaluated: 2025-12-24. Review status: criteria provided, single submitter. Criteria: Ambry Variant Classification Scheme 2023. Collection method: clinical testing. Allele origin: germline.
Comment: The p.S543* pathogenic mutation (also known as c.1628C>G), located in coding exon 16 of the DDX41 gene, results from a C to G substitution at nucleotide position 1628. This changes the amino acid from a serine to a stop codon within coding exon 16. This variant is considered to be rare based on population cohorts in the Genome Aggregation Database (gnomAD). This alteration is expected to result in loss of function by premature protein truncation or nonsense-mediated mRNA decay. As such, this alteration is interpreted as a disease-causing mutation.

GeneDx
Classification: Likely pathogenic. Last evaluated: 2022-04-12. Review status: criteria provided, single submitter. Criteria: GeneDx Variant Classification Process June 2021. Collection method: clinical testing. Allele origin: germline. Affected: yes.
Comment: Nonsense variant predicted to result in protein truncation as the last 80 amino acids are lost, although loss-of-function variants have not been reported downstream of this position in the protein; Not observed at significant frequency in large population cohorts (gnomAD); This variant is associated with the following publications: (PMID: 27721487, 33836623, 26876594)

NM_016222.4(DDX41):c.1628C>G (p.Ser543Ter)

Gene: DDX41 (DEAD-box helicase 41; minus strand). Cytogenetic location: 5q35.3.
Variant type: single nucleotide variant.
Coding change: c.1628C>G on transcript NM_016222.4 (MANE Select); coding-DNA position 1628, C replaced by G.
Protein change: p.Ser543Ter; replaces serine 543 with a stop codon.
Molecular consequence: nonsense.
Genome position (GRCh38, 1-based): chr5:177,512,200, G>C on the plus strand (C>G on the coding strand, the complement: DDX41 is on the minus strand). VCF-style: chr5-177512200-G-C. GRCh37 (hg19) VCF-style: chr5-176939201-G-C.
Other names: c.1250C>G, p.Ser417Ter (NM_001321732.2, NM_001321830.2); short protein forms S417*, S543*.
Identifiers: ClinVar variation 3342494 (VCV003342494.2).